The following is an entry in ClinVar:

NM_015215.4(CAMTA1):c.2779+33A>G

Gene: CAMTA1 (calmodulin binding transcription activator 1; plus strand). Cytogenetic location: 1p36.23.
Variant type: single nucleotide variant.
Coding change: c.2779+33A>G on transcript NM_015215.4 (MANE Select); 33 bases into the intron after coding-DNA position 2779, A replaced by G.
Molecular consequence: intron variant.
Genome position (GRCh38, 1-based): chr1:7,671,070, A>G. VCF-style: chr1-7671070-A-G. GRCh37 (hg19) VCF-style: chr1-7731130-A-G.
Other names: c.2779+33A>G (NM_001349609.2, NM_001349610.2, NM_001410737.1); c.2707+33A>G (NM_001410738.1); c.2689+33A>G (NM_001349608.2, NM_001349612.2); c.-150+33A>G (NM_001349614.1, NM_001349620.1, NM_001349621.1 and 3 more transcripts).
Identifiers: ClinVar variation 4854366 (VCV004854366.1).

ClinVar aggregate classification (germline): Uncertain significance (1 of 4 stars; one submission).

Conditions:
Cerebellar dysfunction with variable cognitive and behavioral abnormalities (CECBA). Also called: Nonprogressive cerebellar atxia with intellectual disability. Identifiers: Orphanet 314647, MedGen C3553661, MONDO:0013886, OMIM 614756.

Submission:

3billion
Classification: Uncertain significance for Cerebellar dysfunction with variable cognitive and behavioral abnormalities. Last evaluated: 2025-09-18. Review status: criteria provided, single submitter. Criteria: ACMG Guidelines, 2015. Collection method: clinical testing. Allele origin: germline. Affected: yes.
Comment: The variant is not observed in the gnomAD v4.1.0 dataset. Predicted Consequence/Location: Intron variant In silico tools predict the variant to alter splicing and produce an abnormal transcript [SpliceAI: 0.62 (>=0.2, moderate evidence for spliceogenicity)]. Therefore, this variant is classified as VUS according to the recommendation of ACMG/AMP guideline.